The following is an entry in ClinVar:

ClinVar aggregate classification (germline): Uncertain significance (1 of 4 stars; one submission).

Allele frequency attached by ClinVar (database versions not stated): TOPMed 0.00003; gnomAD exomes below 0.00001; gnomAD 0.00001.
gnomAD v4.1: 5 of 1,613,964 alleles (0.00031%); highest among the groups gnomAD compares: African/African-American, 0.0067%; no homozygotes.

Submission:

Labcorp Genetics (formerly Invitae), Labcorp
Classification: Uncertain significance. Last evaluated: 2025-02-24. Review status: criteria provided, single submitter. Criteria: Invitae Variant Classification Sherloc (09022015). Collection method: clinical testing. Allele origin: germline.
Comment: This sequence change replaces lysine, which is basic and polar, with glutamic acid, which is acidic and polar, at codon 338 of the TUBA8 protein (p.Lys338Glu). This variant is present in population databases (no rsID available, gnomAD 0.01%). This variant has not been reported in the literature in individuals affected with TUBA8-related conditions. ClinVar contains an entry for this variant (Variation ID: 2090276). Invitae Evidence Modeling of protein sequence and biophysical properties (such as structural, functional, and spatial information, amino acid conservation, physicochemical variation, residue mobility, and thermodynamic stability) has been performed for this missense variant. However, the output from this modeling did not meet the statistical confidence thresholds required to predict the impact of this variant on TUBA8 protein function. In summary, the available evidence is currently insufficient to determine the role of this variant in disease. Therefore, it has been classified as a Variant of Uncertain Significance.

NM_018943.3(TUBA8):c.1012A>G (p.Lys338Glu)

Gene: TUBA8 (tubulin alpha 8; plus strand). Cytogenetic location: 22q11.21.
Variant type: single nucleotide variant.
Coding change: c.1012A>G on transcript NM_018943.3 (MANE Select); coding-DNA position 1012, A replaced by G.
Protein change: p.Lys338Glu; replaces lysine 338 with glutamic acid.
Molecular consequence: missense variant.
Genome position (GRCh38, 1-based): chr22:18,126,990, A>G. VCF-style: chr22-18126990-A-G. GRCh37 (hg19) VCF-style: chr22-18609757-A-G.
Other names: c.814A>G, p.Lys272Glu (NM_001193414.2); short protein forms K272E, K338E.
Identifiers: ClinVar variation 2090276 (VCV002090276.4), dbSNP rs1177927455, ClinGen allele CA410265449.